The following is an entry in ClinVar:

ClinVar aggregate classification (germline): Conflicting classifications of pathogenicity. Review status: criteria provided, conflicting classifications (1 of 4 stars). 2 submissions from 2 submitters: Uncertain significance (1); Likely benign (1). Last evaluated 2025-11-03.

Conditions:
Ehlers-Danlos syndrome, classic type, 1 (EDSCL1). Also called: EDS I; EHLERS-DANLOS SYNDROME, GRAVIS TYPE; EHLERS-DANLOS SYNDROME, SEVERE CLASSIC TYPE; Ehlers-Danlos Syndrome, Classic Type, COL5A1-Related; Ehlers-Danlos syndrome, type 1. Identifiers: MedGen C0268335, MONDO:0019567, OMIM 130000.

Allele frequency attached by ClinVar (database versions not stated): TOPMed 0.00002; gnomAD exomes 0.00001; ExAC 0.00002.
gnomAD v4.1: 4 of 1,611,778 alleles (0.00025%); highest among the groups gnomAD compares: Admixed American, 0.0067%; no homozygotes.

Submissions (2):

Labcorp Genetics (formerly Invitae), Labcorp
Classification: Likely benign for Ehlers-Danlos syndrome, classic type, 1. Last evaluated: 2025-11-03. Review status: criteria provided, single submitter. Criteria: Invitae Variant Classification Sherloc (09022015). Collection method: clinical testing. Allele origin: germline.

GeneDx
Classification: Uncertain significance. Last evaluated: 2023-12-28. Review status: criteria provided, single submitter. Criteria: GeneDx Variant Classification Process June 2021. Collection method: clinical testing. Allele origin: germline. Affected: yes.
Comment: Has not been previously published as pathogenic or benign to our knowledge; Not observed at significant frequency in large population cohorts (gnomAD); Not located in the triple helical region, where the majority of pathogenic missense variants occur (PMID: 22696272; HGMD); In silico analysis supports that this missense variant does not alter protein structure/function; This variant is associated with the following publications: (PMID: 22696272)

NM_000393.5(COL5A2):c.64G>A (p.Val22Ile)

Gene: COL5A2 (collagen type V alpha 2 chain; minus strand). Cytogenetic location: 2q32.2.
Variant type: single nucleotide variant.
Coding change: c.64G>A on transcript NM_000393.5 (MANE Select); coding-DNA position 64, G replaced by A.
Protein change: p.Val22Ile; replaces valine 22 with isoleucine.
Molecular consequence: missense variant.
Genome position (GRCh38, 1-based): chr2:189,179,541, C>T on the plus strand (G>A on the coding strand, the complement: COL5A2 is on the minus strand). VCF-style: chr2-189179541-C-T. GRCh37 (hg19) VCF-style: chr2-190044267-C-T.
Other names: short protein forms V22I.
Identifiers: ClinVar variation 661252 (VCV000661252.7), dbSNP rs746289356, ClinGen allele CA2023212.